The following is an entry in ClinVar:

ClinVar aggregate classification (germline): Benign (0 of 4 stars; one submission).

Conditions:
DNAH2-related disorder. Also called: DNAH2-related condition.

Allele frequency attached by ClinVar (database versions not stated): gnomAD exomes 0.00127; ExAC 0.00487; gnomAD 0.01261; TOPMed 0.01455; 1000 Genomes Project 0.01677; 1000 Genomes Project 30x 0.02046.
gnomAD v4.1: 3,183 of 1,096,568 alleles (0.29%); highest among the groups gnomAD compares: African/African-American, 4.3%; 84 homozygotes.

Submission:

PreventionGenetics, part of Exact Sciences
Classification: Benign for DNAH2-related condition. Last evaluated: 2019-03-21. Review status: no assertion criteria provided. Collection method: clinical testing. Allele origin: germline.
Comment: This variant is classified as benign based on ACMG/AMP sequence variant interpretation guidelines (Richards et al. 2015 PMID: 25741868, with internal and published modifications).

NM_020877.5(DNAH2):c.1904+123T>C

Gene: DNAH2 (dynein axonemal heavy chain 2; plus strand). Cytogenetic location: 17p13.1.
Variant type: single nucleotide variant.
Coding change: c.1904+123T>C on transcript NM_020877.5 (MANE Select); 123 bases into the intron after coding-DNA position 1904, T replaced by C.
Molecular consequence: intron variant. On other transcripts: missense variant (1).
Genome position (GRCh38, 1-based): chr17:7,743,265, T>C. VCF-style: chr17-7743265-T-C. GRCh37 (hg19) VCF-style: chr17-7646583-T-C.
Other names: c.2273T>C, p.Leu758Pro (NM_001303270.2); short protein forms L758P.
Identifiers: ClinVar variation 3039363 (VCV003039363.2), dbSNP rs73248544, ClinGen allele CA8356298.